The following is an entry in ClinVar:

ClinVar aggregate classification (germline): Uncertain significance (1 of 4 stars; one submission).

Conditions:
Acute myeloid leukemia (AML). Also called: Leukemia, acute myeloid, somatic; Leukemia, acute myelogenous, somatic; Acute myeloid leukemia, adult; AML adult; Acute non-lymphocytic leukemia; Acute granulocytic leukemia. Identifiers: Orphanet 519, MedGen C0023467, MeSH D015470, MONDO:0018874, OMIM 601626, HP:0004808. Disease mechanism: Constitutively activated FLT3.

Submission:

Labcorp Genetics (formerly Invitae), Labcorp
Classification: Uncertain significance for Acute myeloid leukemia. Last evaluated: 2021-02-15. Review status: criteria provided, single submitter. Criteria: Invitae Variant Classification Sherloc (09022015). Collection method: clinical testing. Allele origin: germline.
Comment: This sequence change replaces glutamic acid with lysine at codon 284 of the CEBPA protein (p.Glu284Lys). The glutamic acid residue is highly conserved and there is a small physicochemical difference between glutamic acid and lysine. In summary, the available evidence is currently insufficient to determine the role of this variant in disease. Therefore, it has been classified as a Variant of Uncertain Significance. Algorithms developed to predict the effect of missense changes on protein structure and function are either unavailable or do not agree on the potential impact of this missense change (SIFT: "Deleterious"; PolyPhen-2: "Probably Damaging"; Align-GVGD: "Class C15"). This variant has not been reported in the literature in individuals with CEBPA-related conditions. This variant is not present in population databases (ExAC no frequency).

NM_004364.5(CEBPA):c.850G>A (p.Glu284Lys)

Gene: CEBPA (CCAAT enhancer binding protein alpha; minus strand). Cytogenetic location: 19q13.11.
Variant type: single nucleotide variant.
Coding change: c.850G>A on transcript NM_004364.5 (MANE Select); coding-DNA position 850, G replaced by A.
Protein change: p.Glu284Lys; replaces glutamic acid 284 with lysine.
Molecular consequence: missense variant.
Genome position (GRCh38, 1-based): chr19:33,301,565, C>T on the plus strand (G>A on the coding strand, the complement: CEBPA is on the minus strand). VCF-style: chr19-33301565-C-T. GRCh37 (hg19) VCF-style: chr19-33792471-C-T.
Other names: c.493G>A, p.Glu165Lys (NM_001285829.2); c.955G>A, p.Glu319Lys (NM_001287424.2); c.808G>A, p.Glu270Lys (NM_001287435.2); short protein forms E165K, E284K, E270K, E319K.
Identifiers: ClinVar variation 1475707 (VCV001475707.8), dbSNP rs1002344182, ClinGen allele CA405274078.
Genomic context (GRCh38, chr19:33,301,565, plus strand): 5'-TGGCCTTGTCGCGGCTCTTGCGCACCGCGATGTTGTTGCGCTCGCGCCGCACCCGGTACT[C>T]GTTGCTGTTCTTGTCCACCGACTTCTTGGCCTTGCCCGCGCCGCTGCCGCCACTCGCGCG-3'
Protein context (NP_004355.2, residues 274-294): AKKSVDKNSN[Glu284Lys]YRVRRERNNI